The following is an entry in ClinVar:

ClinVar aggregate classification (germline): Conflicting classifications of pathogenicity. Review status: criteria provided, conflicting classifications (1 of 4 stars). 3 submissions from 3 submitters: Uncertain significance (1); Likely benign (1). 1 of the submissions does not count toward it. Last evaluated 2024-06-28.

Conditions:
RELN-related disorder. Also called: RELN-related condition.
Norman-Roberts syndrome (LIS2). Also called: Lissencephaly 2 (Norman-Roberts type). Identifiers: Orphanet 89844, MedGen C0796089, MONDO:0009760, OMIM 257320.
Familial temporal lobe epilepsy 7. Identifiers: Orphanet 101046, MedGen C4225327, MONDO:0014639, OMIM 616436.
Inborn genetic diseases. Identifiers: MedGen C0950123, MeSH D030342.

Allele frequency attached by ClinVar (database versions not stated): gnomAD 0.00001 and 0.00002; TOPMed 0.00001; ExAC 0.00002; gnomAD exomes 0.00002; 1000 Genomes Project 0.00020; 1000 Genomes Project 30x 0.00031.
gnomAD v4.1: 27 of 1,614,082 alleles (0.0017%); highest among the groups gnomAD compares: East Asian, 0.011%; no homozygotes.

Submissions (3):

Ambry Genetics
Classification: Uncertain significance for Inborn genetic diseases. Last evaluated: 2024-06-28. Review status: criteria provided, single submitter. Criteria: Ambry Variant Classification Scheme 2023. Collection method: clinical testing. Allele origin: germline.

Labcorp Genetics (formerly Invitae), Labcorp
Classification: Likely benign for Familial temporal lobe epilepsy 7; Norman-Roberts syndrome. Last evaluated: 2024-01-26. Review status: criteria provided, single submitter. Criteria: Invitae Variant Classification Sherloc (09022015). Collection method: clinical testing. Allele origin: germline.

PreventionGenetics, part of Exact Sciences
Classification: Uncertain significance for RELN-related condition. Last evaluated: 2024-07-30. Review status: no assertion criteria provided. Collection method: clinical testing. Allele origin: germline. Not counted in ClinVar's aggregate classification.
Comment: The RELN c.4481G>A variant is predicted to result in the amino acid substitution p.Arg1494Gln. To our knowledge, this variant has not been reported in the literature. This variant is reported in 0.015% of alleles in individuals of East Asian descent in gnomAD. At this time, the clinical significance of this variant is uncertain due to the absence of conclusive functional and genetic evidence.

NM_005045.4(RELN):c.4481G>A (p.Arg1494Gln)

Gene: RELN (reelin; minus strand). Cytogenetic location: 7q22.1.
Variant type: single nucleotide variant.
Coding change: c.4481G>A on transcript NM_005045.4 (MANE Select); coding-DNA position 4481, G replaced by A.
Protein change: p.Arg1494Gln; replaces arginine 1494 with glutamine.
Molecular consequence: missense variant.
Genome position (GRCh38, 1-based): chr7:103,574,122, C>T on the plus strand (G>A on the coding strand, the complement: RELN is on the minus strand). VCF-style: chr7-103574122-C-T. GRCh37 (hg19) VCF-style: chr7-103214569-C-T.
Other names: c.4481G>A, p.Arg1494Gln (NM_173054.3); short protein forms R1494Q.
Identifiers: ClinVar variation 964411 (VCV000964411.12), dbSNP rs540271067, ClinGen allele CA4421513.
Genomic context (GRCh38, chr7:103,574,122, plus strand): 5'-TGAAAAAGTATACCAGTTAATACTTGTTACCTGATATTCCTGGTGTCCAGAGGGACCGTC[C>T]GGGCTTCCCTTTTCCCAGGGCCATTGAAGTAGAGAGATTTGCCATCGTTAAGTGTTCCAC-3'
Protein context (NP_005036.2, residues 1484-1504): YFNGPGKREA[Arg1494Gln]TVPLDTRNIR